The following is an entry in ClinVar:

ClinVar aggregate classification (germline): Uncertain significance. Review status: criteria provided, multiple submitters, no conflicts (2 of 4 stars). 2 submissions from 2 submitters: Uncertain significance (2). Last evaluated 2025-02-12.

Conditions:
TTN-related disorder. Also called: TTN-related disorders; TTN-related condition; TTN-related disease.
Cardiovascular phenotype. Identifiers: MedGen CN230736.

Allele frequency attached by ClinVar (database versions not stated): gnomAD exomes 0.00002; ExAC 0.00003; TOPMed 0.00003; gnomAD 0.00005; ESP Exome Variant Server 0.00008.
gnomAD v4.1: 36 of 1,613,194 alleles (0.0022%); highest among the groups gnomAD compares: African/African-American, 0.0027%; no homozygotes.

Submissions (2):

PreventionGenetics, part of Exact Sciences
Classification: Uncertain significance for TTN-related condition. Last evaluated: 2025-02-12. Review status: criteria provided, single submitter. Criteria: ACMG Guidelines, 2015. Collection method: clinical testing. Allele origin: germline.
Comment: The TTN c.71057C>T variant is predicted to result in the amino acid substitution p.Ala23686Val. To our knowledge, this variant has not been reported in the literature. This variant is reported in 0.0041% of alleles in individuals of African descent in gnomAD. At this time, the clinical significance of this variant is uncertain due to the absence of conclusive functional and genetic evidence.

Ambry Genetics
Classification: Uncertain significance for Cardiovascular phenotype. Last evaluated: 2018-11-06. Review status: criteria provided, single submitter. Criteria: Ambry Variant Classification Scheme 2023. Collection method: clinical testing. Allele origin: germline.
Comment: The p.A14621V variant (also known as c.43862C>T), located in coding exon 153 of the TTN gene, results from a C to T substitution at nucleotide position 43862. The alanine at codon 14621 is replaced by valine, an amino acid with similar properties. This amino acid position is well conserved in available vertebrate species. In addition, this alteration is predicted to be tolerated by in silico analysis. Since supporting evidence is limited at this time, the clinical significance of this alteration remains unclear.

NM_001267550.2(TTN):c.71057C>T (p.Ala23686Val)

Genes: TTN (titin; minus strand), TTN-AS1 (TTN antisense RNA 1; plus strand). Cytogenetic location: 2q31.2.
Variant type: single nucleotide variant.
Coding change: c.71057C>T on transcript NM_001267550.2 (MANE Select); coding-DNA position 71057, C replaced by T.
Protein change: p.Ala23686Val; replaces alanine 23686 with valine.
Molecular consequence: missense variant.
Genome position (GRCh38, 1-based): chr2:178,575,075, G>A on the plus strand (C>T on the coding strand, the complement: TTN is on the minus strand). VCF-style: chr2-178575075-G-A. GRCh37 (hg19) VCF-style: chr2-179439802-G-A.
Other names: c.66134C>T, p.Ala22045Val (NM_001256850.1); c.43862C>T, p.Ala14621Val (NM_003319.4); c.63353C>T, p.Ala21118Val (NM_133378.4); c.44237C>T, p.Ala14746Val (NM_133432.3); c.44438C>T, p.Ala14813Val (NM_133437.4); short protein forms A21118V, A14813V, A14621V, A23686V, A14746V, A22045V.
Identifiers: ClinVar variation 1740182 (VCV001740182.3), dbSNP rs55903402, ClinGen allele CA1990685.